The following is an entry in ClinVar:

NM_130784.4(SYCE1):c.811-4A>G

Gene: SYCE1 (synaptonemal complex central element protein 1; minus strand). Cytogenetic location: 10q26.3.
Variant type: single nucleotide variant.
Coding change: c.811-4A>G on transcript NM_130784.4; 4 bases into the intron before coding-DNA position 811, A replaced by G.
Molecular consequence: intron variant.
Genome position (GRCh38, 1-based): chr10:133,554,332, T>C on the plus strand (A>G on the coding strand, the complement: SYCE1 is on the minus strand). VCF-style: chr10-133554332-T-C. GRCh37 (hg19) VCF-style: chr10-135367836-T-C.
Other names: c.919-4A>G (NM_001143763.2).
Identifiers: ClinVar variation 3045823 (VCV003045823.2), dbSNP rs372342069, ClinGen allele CA5767934.

ClinVar aggregate classification (germline): Likely benign (0 of 4 stars; one submission).

Conditions:
SYCE1-related disorder. Also called: SYCE1-related condition.

Allele frequency attached by ClinVar (database versions not stated): gnomAD 0.00074; ESP Exome Variant Server 0.00131; gnomAD exomes 0.00007; 1000 Genomes Project 0.00020; ExAC 0.00027; 1000 Genomes Project 30x 0.00031; TOPMed 0.00087.
gnomAD v4.1: 213 of 1,613,990 alleles (0.013%); highest among the groups gnomAD compares: African/African-American, 0.27%; no homozygotes.

Submission:

PreventionGenetics, part of Exact Sciences
Classification: Likely benign for SYCE1-related condition. Last evaluated: 2019-12-06. Review status: no assertion criteria provided. Collection method: clinical testing. Allele origin: germline.
Comment: This variant is classified as likely benign based on ACMG/AMP sequence variant interpretation guidelines (Richards et al. 2015 PMID: 25741868, with internal and published modifications).